The following is an entry in ClinVar:

NM_006516.4(SLC2A1):c.1243A>C (p.Asn415His)

Gene: SLC2A1 (solute carrier family 2 member 1; minus strand). Cytogenetic location: 1p34.2.
Variant type: single nucleotide variant.
Coding change: c.1243A>C on transcript NM_006516.4 (MANE Select); coding-DNA position 1243, A replaced by C.
Protein change: p.Asn415His; replaces asparagine 415 with histidine.
Molecular consequence: missense variant.
Genome position (GRCh38, 1-based): chr1:42,927,640, T>G on the plus strand (A>C on the coding strand, the complement: SLC2A1 is on the minus strand). VCF-style: chr1-42927640-T-G. GRCh37 (hg19) VCF-style: chr1-43393311-T-G.
Other names: short protein forms N415H.
Identifiers: ClinVar variation 2582190 (VCV002582190.2), dbSNP rs2524984303, ClinGen allele CA339953680.

ClinVar aggregate classification (germline): Uncertain significance (1 of 4 stars; one submission).

Allele frequency attached by ClinVar (database versions not stated): gnomAD exomes below 0.00001.
gnomAD v4.1: 1 of 1,614,110 alleles (0.000062%); highest among the groups gnomAD compares: Non-Finnish European, 0.000085%; no homozygotes.

Submission:

GeneDx
Classification: Uncertain significance. Last evaluated: 2024-08-06. Review status: criteria provided, single submitter. Criteria: GeneDx Variant Classification Process June 2021. Collection method: clinical testing. Allele origin: germline. Affected: yes.
Comment: Not observed at significant frequency in large population cohorts (gnomAD); In silico analysis supports that this missense variant has a deleterious effect on protein structure/function; Has not been previously published as pathogenic or benign to our knowledge